The following is an entry in ClinVar:

NM_001393504.1(MAST3):c.2308G>A (p.Asp770Asn)

Gene: MAST3 (microtubule associated serine/threonine kinase 3; plus strand). Cytogenetic location: 19p13.11.
Variant type: single nucleotide variant.
Coding change: c.2308G>A on transcript NM_001393504.1 (MANE Select); coding-DNA position 2308, G replaced by A.
Protein change: p.Asp770Asn; replaces aspartic acid 770 with asparagine.
Molecular consequence: missense variant.
Genome position (GRCh38, 1-based): chr19:18,141,984, G>A. VCF-style: chr19-18141984-G-A. GRCh37 (hg19) VCF-style: chr19-18252794-G-A.
Other names: c.2332G>A, p.Asp778Asn (NM_001393501.1); c.2311G>A, p.Asp771Asn (NM_001393502.1); c.2308G>A, p.Asp770Asn (NM_001393503.1); c.2305G>A, p.Asp769Asn (NM_001393505.1); c.2260G>A, p.Asp754Asn (NM_001393506.1, NM_001393513.1); c.2287G>A, p.Asp763Asn (NM_001393507.1); c.2242G>A, p.Asp748Asn (NM_001393508.1, NM_001393516.1); c.2239G>A, p.Asp747Asn (NM_001393509.1, NM_001393510.1, NM_001393512.1 and 2 more transcripts); and 4 more; short protein forms D732N, D740N, D741N, D746N, D747N, D748N, D754N, D763N.
Identifiers: ClinVar variation 4535731 (VCV004535731.1).
Genomic context (GRCh38, chr19:18,141,984, plus strand): 5'-ACCTTCGCTGAAAGGAGCTTCAGTGAAGACCGGGAGGAGGGGTGGGAGCGCAGCGAAGTG[G>A]ACTATGGCCGCCGGCTGAGTGCTGACATCCGGTAAGTGGCCTGGGGAAGTGTAGGCAGAT-3'
Protein context (NP_001380433.1, residues 760-780): REEGWERSEV[Asp770Asn]YGRRLSADIR

ClinVar aggregate classification (germline): Uncertain significance (1 of 4 stars; one submission).

gnomAD v4.1: 18 of 1,527,676 alleles (0.0012%); highest among the groups gnomAD compares: Admixed American, 0.0019%; no homozygotes.

Submission:

Women's Health and Genetics/Laboratory Corporation of America, LabCorp
Classification: Uncertain significance. Last evaluated: 2025-09-05. Review status: criteria provided, single submitter. Criteria: LabCorp Variant Classification Summary - May 2015. Collection method: clinical testing. Allele origin: germline.
Comment: Variant summary: MAST3 c.2221G>A (p.Asp741Asn) results in a conservative amino acid change in the encoded protein sequence. Algorithms developed to predict the effect of missense changes on protein structure and function all suggest that this variant is likely to be tolerated. The variant allele was found at a frequency of 3.8e-05 in 208898 control chromosomes. The available data on variant occurrences in the general population are insufficient to allow any conclusion about variant significance. To our knowledge, no occurrence of c.2221G>A in individuals affected with MAST3-related conditions and no experimental evidence demonstrating its impact on protein function have been reported. No submitters have cited clinical-significance assessments for this variant to ClinVar. Based on the evidence outlined above, the variant was classified as uncertain significance.